The following is an entry in ClinVar:

ClinVar aggregate classification (germline): Uncertain significance. Review status: criteria provided, multiple submitters, no conflicts (2 of 4 stars). 2 submissions from 2 submitters: Uncertain significance (2). Last evaluated 2023-09-21.

Conditions:
Inborn genetic diseases. Identifiers: MedGen C0950123, MeSH D030342.

Allele frequency attached by ClinVar (database versions not stated): gnomAD 0.00001; gnomAD exomes 0.00001 and 0.00002; TOPMed 0.00002; ExAC 0.00003.
gnomAD v4.1: 25 of 1,604,134 alleles (0.0016%); highest among the groups gnomAD compares: Middle Eastern, 0.017%; no homozygotes.

Submissions (2):

Labcorp Genetics (formerly Invitae), Labcorp
Classification: Uncertain significance. Last evaluated: 2023-09-21. Review status: criteria provided, single submitter. Criteria: Invitae Variant Classification Sherloc (09022015). Collection method: clinical testing. Allele origin: germline.
Comment: This sequence change replaces arginine, which is basic and polar, with cysteine, which is neutral and slightly polar, at codon 1116 of the TONSL protein (p.Arg1116Cys). This variant is present in population databases (rs782353998, gnomAD 0.01%). This variant has not been reported in the literature in individuals affected with TONSL-related conditions. ClinVar contains an entry for this variant (Variation ID: 1400869). Advanced modeling of protein sequence and biophysical properties (such as structural, functional, and spatial information, amino acid conservation, physicochemical variation, residue mobility, and thermodynamic stability) performed at Invitae indicates that this missense variant is not expected to disrupt TONSL protein function. In summary, the available evidence is currently insufficient to determine the role of this variant in disease. Therefore, it has been classified as a Variant of Uncertain Significance.

Ambry Genetics
Classification: Uncertain significance for Inborn genetic diseases. Last evaluated: 2023-02-02. Review status: criteria provided, single submitter. Criteria: Ambry Variant Classification Scheme 2023. Collection method: clinical testing. Allele origin: germline.

NM_013432.5(TONSL):c.3346C>T (p.Arg1116Cys)

Gene: TONSL (tonsoku like, DNA repair protein; minus strand). Cytogenetic location: 8q24.3.
Variant type: single nucleotide variant.
Coding change: c.3346C>T on transcript NM_013432.5 (MANE Select); coding-DNA position 3346, C replaced by T.
Protein change: p.Arg1116Cys; replaces arginine 1116 with cysteine.
Molecular consequence: missense variant.
Genome position (GRCh38, 1-based): chr8:144,434,019, G>A on the plus strand (C>T on the coding strand, the complement: TONSL is on the minus strand). VCF-style: chr8-144434019-G-A. GRCh37 (hg19) VCF-style: chr8-145659402-G-A.
Other names: c.3346C>T (NM_013432.4); short protein forms R1116C.
Identifiers: ClinVar variation 1400869 (VCV001400869.7), dbSNP rs782353998, ClinGen allele CA4942540.